The following is an entry in ClinVar:

NM_000266.4(NDP):c.334_349dup (p.Thr117fs)

Genes: NDP-AS1 (NDP antisense RNA 1; plus strand), NDP (norrin cystine knot growth factor NDP; minus strand). Cytogenetic location: Xp11.3.
Variant type: Duplication.
Coding change: c.334_349dup on transcript NM_000266.4 (MANE Select); coding-DNA positions 334 to 349, 16 bases duplicated (GGGGGCATGCGACTCA).
Protein change: p.Thr117fs; shifts the reading frame from threonine 117.
Molecular consequence: frameshift variant. On other transcripts: non-coding transcript variant (1).
Genome position (GRCh38, 1-based): chrX:43,949,852-43,949,867, TGAGTCGCATGCCCCC duplicated on the plus strand (GGGGGCATGCGACTCA on the coding strand, the reverse complement: NDP is on the minus strand); duplicating any 16 consecutive bases within chrX:43,949,852-43,949,871 gives the same sequence; the c. name uses the placement nearest the transcript's 3' end. VCF-style (leftmost placement, unchanged base first): chrX-43949851-G-GTGAGTCGCATGCCCCC. GRCh37 (hg19) VCF-style: chrX-43809097-G-GTGAGTCGCATGCCCCC.
Other names: short protein forms T117fs.
Identifiers: ClinVar variation 3382646 (VCV003382646.2).

ClinVar aggregate classification (germline): Likely pathogenic (1 of 4 stars; one submission).

Conditions:
Exudative vitreoretinopathy 2, X-linked. Also called: Familial exudative vitreoretinopathy, X-linked; EXUDATIVE VITREORETINOPATHY, FAMILIAL, 2; FEVR, X-LINKED; NDP-Related Familial Exudative Vitreoretinopathy (FEVR). Identifiers: Orphanet 891, MedGen C1844579, MONDO:0010588, OMIM 305390.
Atrophia bulborum hereditaria (ND). Also called: EPISKOPI BLINDNESS; Pseudoglioma; Norrie syndrome; Norrie-Warburg syndrome; Anderson-Warburg syndrome; Fetal iritis syndrome. Identifiers: Orphanet 649, MedGen C0266526, MONDO:0010691, OMIM 310600, HP:6000262.

Submission:

Juno Genomics, Hangzhou Juno Genomics, Inc
Classification: Likely pathogenic for Exudative vitreoretinopathy 2, X-linked; Atrophia bulborum hereditaria. Review status: criteria provided, single submitter. Criteria: ACMG Guidelines, 2015. Collection method: clinical testing. Allele origin: germline. Affected: yes.
Comment: Null variant in a gene where loss of function (LOF) is a known mechanism of disease.;Absent from controls (or at extremely low frequency if recessive) in Genome Aggregation Database, Exome Sequencing Project, 1000 Genomes Project, or Exome Aggregation Consortium.;Patient's phenotype or family history is highly specific for a disease with a single genetic etiology.